The following is an entry in ClinVar:

ClinVar aggregate classification (germline): Uncertain significance. Review status: criteria provided, multiple submitters, no conflicts (2 of 4 stars). 2 submissions from 2 submitters: Uncertain significance (2). Last evaluated 2026-02-16.

Conditions:
LMF1-related disorder. Also called: LMF1-related condition.
Cardiovascular phenotype. Identifiers: MedGen CN230736.

Allele frequency attached by ClinVar (database versions not stated): TOPMed 0.00001; gnomAD exomes 0.00002; ExAC 0.00010; 1000 Genomes Project 0.00020; 1000 Genomes Project 30x 0.00031.

Submissions (2):

PreventionGenetics, part of Exact Sciences
Classification: Uncertain significance for LMF1-related condition. Last evaluated: 2026-02-16. Review status: criteria provided, single submitter. Criteria: ACMG Guidelines, 2015. Collection method: clinical testing. Allele origin: germline.
Comment: The LMF1 c.679C>T variant is predicted to result in the amino acid substitution p.Arg227Trp. This variant has been reported in a cohort study with hypertriglyceridemia (Table S2, Deshotels et al. 2022. PubMed ID: 36325899). This variant is reported in 0.013% of alleles in individuals of South Asian descent in gnomAD. At this time, the clinical significance of this variant is uncertain due to the absence of conclusive functional and genetic evidence.

Ambry Genetics
Classification: Uncertain significance for Cardiovascular phenotype. Last evaluated: 2021-08-22. Review status: criteria provided, single submitter. Criteria: Ambry Variant Classification Scheme 2023. Collection method: clinical testing. Allele origin: germline.
Comment: The p.R227W variant (also known as c.679C>T), located in coding exon 5 of the LMF1 gene, results from a C to T substitution at nucleotide position 679. The arginine at codon 227 is replaced by tryptophan, an amino acid with dissimilar properties. This amino acid position is conserved. In addition, the in silico prediction for this alteration is inconclusive. Since supporting evidence is limited at this time, the clinical significance of this alteration remains unclear.

NM_022773.4(LMF1):c.679C>T (p.Arg227Trp)

Gene: LMF1 (lipase maturation factor 1; minus strand). Cytogenetic location: 16p13.3.
Variant type: single nucleotide variant.
Coding change: c.679C>T on transcript NM_022773.4 (MANE Select); coding-DNA position 679, C replaced by T.
Protein change: p.Arg227Trp; replaces arginine 227 with tryptophan.
Molecular consequence: missense variant. On other transcripts: non-coding transcript variant (1).
Genome position (GRCh38, 1-based): chr16:893,057, G>A on the plus strand (C>T on the coding strand, the complement: LMF1 is on the minus strand). VCF-style: chr16-893057-G-A. GRCh37 (hg19) VCF-style: chr16-943057-G-A.
Other names: c.28C>T, p.Arg10Trp (NM_001352017.2, NM_001352021.2); c.280C>T, p.Arg94Trp (NM_001352018.2); c.352C>T, p.Arg118Trp (NM_001352019.2); c.679C>T, p.Arg227Trp (NM_001352020.1); short protein forms R10W, R227W, R118W, R94W.
Identifiers: ClinVar variation 1755490 (VCV001755490.3), dbSNP rs573828508, ClinGen allele CA7797414.